The following is an entry in ClinVar:

NM_000352.6(ABCC8):c.1919C>T (p.Ala640Val)

Gene: ABCC8 (ATP binding cassette subfamily C member 8; minus strand). Cytogenetic location: 11p15.1.
Variant type: single nucleotide variant.
Coding change: c.1919C>T on transcript NM_000352.6 (MANE Select); coding-DNA position 1919, C replaced by T.
Protein change: p.Ala640Val; replaces alanine 640 with valine.
Molecular consequence: missense variant. On other transcripts: non-coding transcript variant (1).
Genome position (GRCh38, 1-based): chr11:17,428,569, G>A on the plus strand (C>T on the coding strand, the complement: ABCC8 is on the minus strand). VCF-style: chr11-17428569-G-A. GRCh37 (hg19) VCF-style: chr11-17450116-G-A.
Other names: NM_000352.6(ABCC8):c.1919C>T; p.Ala640Val; c.1919C>T, p.Ala640Val (NM_001287174.3, NM_001351295.2); c.1916C>T, p.Ala639Val (NM_001351296.2, NM_001351297.2); c.1919C>T (NM_000352.4); short protein forms A639V, A640V.
Identifiers: ClinVar variation 994764 (VCV000994764.10), dbSNP rs369049969, ClinGen allele CA5903397.

ClinVar aggregate classification (germline): Uncertain significance. Review status: criteria provided, multiple submitters, no conflicts (2 of 4 stars). 8 submissions from 8 submitters: Uncertain significance (6). 2 of the submissions do not count toward it. Last evaluated 2025-12-16.

Conditions:
Hyperinsulinemic hypoglycemia, familial, 1 (HHF1). Also called: Persistent hyperinsulinemic hypoglycemia of infancy; HYPERINSULINISM, FAMILIAL, WITH PANCREATIC NESIDIOBLASTOSIS; HYPOGLYCEMIA, HYPERINSULINEMIC, OF INFANCY; NESIDIOBLASTOSIS OF PANCREAS; Persistent Hyperinsulinemia Hypoglycemia of Infancy. Identifiers: Orphanet 276575, Orphanet 276598, MedGen C2931832, MONDO:0009734, OMIM 256450.
Inborn genetic diseases. Identifiers: MedGen C0950123, MeSH D030342.
Hereditary hyperinsulinism.
ABCC8-related disorder.

Allele frequency attached by ClinVar (database versions not stated): TOPMed 0.00010; gnomAD 0.00016 and 0.00015; ESP Exome Variant Server 0.00015.
gnomAD v4.1: 216 of 1,614,050 alleles (0.013%); highest among the groups gnomAD compares: Middle Eastern, 0.033%; no homozygotes.

Submissions (8):

Women's Health and Genetics/Laboratory Corporation of America, LabCorp
Classification: Uncertain significance. Last evaluated: 2025-12-16. Review status: criteria provided, single submitter. Criteria: LabCorp Variant Classification Summary - May 2015. Collection method: clinical testing. Allele origin: germline.
Comment: Variant summary: ABCC8 c.1919C>T (p.Ala640Val) results in a non-conservative amino acid change in the encoded protein sequence. Algorithms developed to predict the effect of missense changes on protein structure and function are either unavailable or do not agree on the potential impact of this missense change. The variant allele was found at a frequency of 0.0001 in 250980 control chromosomes (gnomAD). This frequency is not significantly higher than estimated for disease-causing variants in ABCC8, allowing no conclusion about variant significance. c.1919C>T has been observed as a de novo occurrence in an individual affected with Congenital Hyperinsulinism (Sang_2014, Xu_2021).These data do not allow any conclusion about variant significance. To our knowledge, no experimental evidence demonstrating an impact on protein function has been reported. The following publications have been ascertained in the context of this evaluation (PMID: 25008049, 33502730). ClinVar contains an entry for this variant (Variation ID: 994764). Based on the evidence outlined above, the variant was classified as VUS-possibly pathogenic.

GeneDx
Classification: Uncertain significance. Last evaluated: 2025-11-20. Review status: criteria provided, single submitter. Criteria: GeneDx Variant Classification Process June 2021. Collection method: clinical testing. Allele origin: germline.
Comment: In silico analysis suggests that this missense variant does not alter protein structure/function; This variant is associated with the following publications: (PMID: 34426522, 23902843, 33502730, 25008049)

Blueprint Genetics
Classification: Uncertain significance. Last evaluated: 2024-06-07. Review status: criteria provided, single submitter. Criteria: ACMG Guidelines, 2015. Collection method: clinical testing. Allele origin: germline.

Broad Center for Mendelian Genomics, Broad Institute of MIT and Harvard
Classification: Uncertain significance for Hyperinsulinemic hypoglycemia, familial, 1. Last evaluated: 2023-08-16. Review status: criteria provided, single submitter. Criteria: ACMG Guidelines, 2015. Collection method: curation. Allele origin: germline. Inheritance: Autosomal recessive inheritance.
Comment: The p.Ala640Val variant in ABCC8 has been previously reported in 1 individual, with hyperinsulinemic hypoglycemia (PMID: 25008049), and has been seen in 0.02% (30/128890) of European (non-Finnish) chromosomes by the Genome Aggregation Database (gnomAD; dbSNP: rs369049969). Although this variant has been seen in the general population in a heterozygous state, its frequency is not high enough to rule out a pathogenic role. This variant has also been reported in ClinVar (Variation ID: 994764) and has been interpreted as a variant of uncertain significance by Athena Diagnostics Inc. and Natera Inc. Computational prediction tools and conservation analyses suggest that this variant may impact the protein, though this information is not predictive enough to determine pathogenicity. In summary, the clinical significance of the p.Ala640Val variant is uncertain. ACMG/AMP Criteria applied: PP3 (Richards 2015).

Ambry Genetics
Classification: Uncertain significance for Inborn genetic diseases. Last evaluated: 2022-07-26. Review status: criteria provided, single submitter. Criteria: Ambry Variant Classification Scheme 2023. Collection method: clinical testing. Allele origin: germline.

Athena Diagnostics
Classification: Uncertain significance. Last evaluated: 2020-08-06. Review status: criteria provided, single submitter. Criteria: Athena Diagnostics Criteria. Collection method: clinical testing. Allele origin: unknown.

PreventionGenetics, part of Exact Sciences
Classification: Uncertain significance for ABCC8-related condition. Last evaluated: 2024-03-26. Review status: no assertion criteria provided. Collection method: clinical testing. Allele origin: germline. Not counted in ClinVar's aggregate classification.
Comment: The ABCC8 c.1919C>T variant is predicted to result in the amino acid substitution p.Ala640Val. This variant has been reported to have arisen de novo in a patient with CHI who also carries a second ABCC8 variant (Xu et al. 2021. PubMed ID: 33502730). This variant is reported in 0.023% of alleles in individuals of European (Non-Finnish) descent in gnomAD. At this time, the clinical significance of this variant is uncertain due to the absence of conclusive functional and genetic evidence.

Natera, Inc.
Classification: Uncertain significance for Hereditary hyperinsulinism. Last evaluated: 2020-02-10. Review status: no assertion criteria provided. Collection method: clinical testing. Allele origin: germline. Not counted in ClinVar's aggregate classification.

Literature cited by the submitters: PubMed 25008049 (cited by 3 submitters); PubMed 33502730 (cited by Women's Health and Genetics/Laboratory Corporation of America, LabCorp).